The following is an entry in ClinVar:

NM_007373.4(SHOC2):c.1220T>A (p.Leu407Ter)

Gene: SHOC2 (SHOC2 leucine rich repeat scaffold protein; plus strand). Cytogenetic location: 10q25.2.
Variant type: single nucleotide variant.
Coding change: c.1220T>A on transcript NM_007373.4 (MANE Select); coding-DNA position 1220, T replaced by A.
Protein change: p.Leu407Ter; replaces leucine 407 with a stop codon.
Molecular consequence: nonsense. On other transcripts: non-coding transcript variant (1).
Genome position (GRCh38, 1-based): chr10:111,007,589, T>A. VCF-style: chr10-111007589-T-A. GRCh37 (hg19) VCF-style: chr10-112767347-T-A.
Other names: c.1082T>A, p.Leu361Ter (NM_001269039.3); c.1220T>A, p.Leu407Ter (NM_001324336.2, NM_001324337.2); short protein forms L361*, L407*.
Identifiers: ClinVar variation 1309706 (VCV001309706.2), dbSNP rs2134177799, ClinGen allele CA378523434.

ClinVar aggregate classification (germline): Uncertain significance (1 of 4 stars; one submission).

Submission:

GeneDx
Classification: Uncertain significance. Last evaluated: 2019-11-04. Review status: criteria provided, single submitter. Criteria: GeneDx Variant Classification Process June 2021. Collection method: clinical testing. Allele origin: germline. Affected: yes.
Comment: Not observed in large population cohorts (Lek et al., 2016); Nonsense variant predicted to result in protein truncation or nonsense mediated decay in a gene for which loss-of-function is not a known mechanism of disease; Has not been previously published as pathogenic or benign to our knowledge